The following is an entry in ClinVar:

NM_001184.4(ATR):c.4912C>T (p.Gln1638Ter)

Gene: ATR (ATR checkpoint kinase; minus strand). Cytogenetic location: 3q23.
Variant type: single nucleotide variant.
Coding change: c.4912C>T on transcript NM_001184.4 (MANE Select); coding-DNA position 4912, C replaced by T.
Protein change: p.Gln1638Ter; replaces glutamine 1638 with a stop codon.
Molecular consequence: nonsense.
Genome position (GRCh38, 1-based): chr3:142,508,050, G>A on the plus strand (C>T on the coding strand, the complement: ATR is on the minus strand). VCF-style: chr3-142508050-G-A. GRCh37 (hg19) VCF-style: chr3-142226892-G-A.
Other names: c.4720C>T, p.Gln1574Ter (NM_001354579.2); short protein forms Q1638*, Q1574*.
Identifiers: ClinVar variation 2007236 (VCV002007236.4), dbSNP rs2108361316, ClinGen allele CA354820801.

ClinVar aggregate classification (germline): Pathogenic (1 of 4 stars; one submission).

Submission:

Labcorp Genetics (formerly Invitae), Labcorp
Classification: Pathogenic. Last evaluated: 2022-06-15. Review status: criteria provided, single submitter. Criteria: Invitae Variant Classification Sherloc (09022015). Collection method: clinical testing. Allele origin: germline.
Comment: For these reasons, this variant has been classified as Pathogenic. Algorithms developed to predict the effect of sequence changes on RNA splicing suggest that this variant may disrupt the consensus splice site. This variant has not been reported in the literature in individuals affected with ATR-related conditions. This variant is not present in population databases (gnomAD no frequency). This sequence change creates a premature translational stop signal (p.Gln1638*) in the ATR gene. It is expected to result in an absent or disrupted protein product. Loss-of-function variants in ATR are known to be pathogenic (PMID: 21228398, 23144622).

Literature cited by the submitters: PubMed 21228398; PubMed 23144622.